The following is an entry in ClinVar:

NC_000004.11:g.39350045_39350099delinsAAGGG[(141_831)]

Gene: RFC1 (replication factor C subunit 1; minus strand). Cytogenetic location: 4p14.
Variant type: Indel.
Identifiers: ClinVar variation 1809808 (VCV001809808.2).

ClinVar aggregate classification (germline): Pathogenic (0 of 4 stars; one submission).

Conditions:
Parkinson disease (PD). Identifiers: MedGen C0030567, MeSH D010300, MONDO:0005180.

Submission:

Research Unit of Clinical Medicine, Medical Research Center Oulu, University of Oulu
Classification: Pathogenic for Parkinson disease. Last evaluated: 2022-11-01. Review status: no assertion criteria provided. Collection method: case-control. Allele origin: germline. Inheritance: Autosomal recessive inheritance. Affected: yes. Observed: 3 variant alleles, 3 homozygotes. Clinical features observed: Parkinsonian disorder (HP:0001300).
Comment: The biallelic expansion (AAGGG)exp causes cerebellar ataxia, neuropathy and vestibular areflexia syndrome (CANVAS), late-onset ataxia and various neurological phenotypes. The biallelic expansion has been shown to cause Parkinson's disease with no or minimal signs of CANVAS. We found the biallelic expansion in three patients with early-onset Parkinson's disease. Their disease course was unremarkable apart from the early onset.

Literature cited by the submitters: PubMed 35013364; PubMed 31230722; PubMed 32040566; PubMed 33495376; PubMed 33969391.